The following is an entry in ClinVar:

ClinVar aggregate classification (germline): Uncertain significance (1 of 4 stars; one submission).

Submission:

GeneDx
Classification: Uncertain significance. Last evaluated: 2023-12-08. Review status: criteria provided, single submitter. Criteria: GeneDx Variant Classification Process June 2021. Collection method: clinical testing. Allele origin: germline. Affected: yes.
Comment: Not observed at significant frequency in large population cohorts (gnomAD); In-frame duplication of 11 amino acids in a non-repeat region; Has not been previously published as pathogenic or benign to our knowledge

NM_001376.5(DYNC1H1):c.92_124dup (p.Leu41_Leu42insGlnLysHisLeuArgLysLeuValProLeuLeu)

Gene: DYNC1H1 (dynein cytoplasmic 1 heavy chain 1; plus strand). Cytogenetic location: 14q32.31.
Variant type: Duplication.
Coding change: c.92_124dup on transcript NM_001376.5 (MANE Select); coding-DNA positions 92 to 124, 33 bases duplicated.
Protein change: p.Leu41_Leu42insGlnLysHisLeuArgLysLeuValProLeuLeu.
Genome position (GRCh38, 1-based): chr14:101,964,783-101,964,815, 33 bases duplicated; duplicating any 33 consecutive bases within chr14:101,964,777-101,964,815 gives the same sequence; the c. name uses the placement nearest the transcript's 3' end. GRCh37 (hg19): chr14:102,431,120-102,431,152.
Identifiers: ClinVar variation 3365077 (VCV003365077.1).